The following is an entry in ClinVar:

ClinVar aggregate classification (germline): Pathogenic (1 of 4 stars; one submission).

Conditions:
Fanconi anemia (FA). Also called: Fanconi's anemia. Identifiers: Orphanet 84, MedGen C0015625, MeSH D005199, MONDO:0019391.

Submission:

Labcorp Genetics (formerly Invitae), Labcorp
Classification: Pathogenic for Fanconi anemia. Last evaluated: 2023-01-30. Review status: criteria provided, single submitter. Criteria: Invitae Variant Classification Sherloc (09022015). Collection method: clinical testing. Allele origin: germline.
Comment: Retrotransposon insertions including LINE1 (L1), Alu, and SVA (SINE-VNTR-Alu) have been reported to be disease-causing through disruption of either a coding region or splice site (PMID: 19763152, 20307669, 22406018) and loss-of-function variants in FANCL are known to be pathogenic (PMID: 19405097, 23613520). This variant has not been reported in the literature in individuals affected with FANCL-related conditions. This variant is not present in population databases (gnomAD no frequency). This sequence change inserts a large fragment of DNA, likely a transposable element, in exon 3 of the FANCL gene (c.161_162ins?), causing a frameshift at codon 54 (p.Leu54fs). The exact size and sequence of the insertion cannot be determined by the current assay. However, the insertion is expected to result in an absent or disrupted protein product. For these reasons, this variant has been classified as Pathogenic.

Literature cited by the submitters: PubMed 19763152; PubMed 20307669; PubMed 22406018; PubMed 19405097; PubMed 23613520.

NC_000002.12:g.58229869_58229884AAT[2]CTAAAATTTTTTTTTTTTTTTTTTTTTTTTNNNNNNNNNNCTCGTGATCCGCCCGCCTCGGCCTCCCAAAGTGCTGGGATTACAGGCGTGAGCCACCGCGCCCGGCCCAATAATCTAAAATTTT[1]

Gene: FANCL (FA complementation group L; minus strand). Cytogenetic location: 2p16.1.
Variant type: Microsatellite.
Genome position: GRCh38: chr2:58,229,869-58,229,884. GRCh37 (hg19), VCF-style position (the base before the change): chr2:58,457,003.
Identifiers: ClinVar variation 2832950 (VCV002832950.3).